The following is an entry in ClinVar:

NM_000548.5(TSC2):c.1023C>T (p.Ser341=)

Gene: TSC2 (TSC complex subunit 2; plus strand). Cytogenetic location: 16p13.3.
Variant type: single nucleotide variant.
Coding change: c.1023C>T on transcript NM_000548.5 (MANE Select); coding-DNA position 1023, C replaced by T.
Protein change: p.Ser341=; no amino-acid change (serine 341 retained).
Molecular consequence: synonymous variant.
Genome position (GRCh38, 1-based): chr16:2,060,717, C>T. VCF-style: chr16-2060717-C-T. GRCh37 (hg19) VCF-style: chr16-2110718-C-T.
Other names: c.1023C>T, p.Ser341= (NM_001077183.3, NM_001114382.3, NM_001363528.2 and 3 more transcripts); c.912C>T, p.Ser304= (NM_001318827.2); c.876C>T, p.Ser292= (NM_001318829.2); c.423C>T, p.Ser141= (NM_001318831.2); c.1056C>T, p.Ser352= (NM_001318832.2); c.1023C>T (NM_000548.3).
Identifiers: ClinVar variation 1110718 (VCV001110718.11), dbSNP rs2086525075, ClinGen allele CA492960739.

ClinVar aggregate classification (germline): Benign/Likely benign. Review status: criteria provided, multiple submitters, no conflicts (2 of 4 stars). 3 submissions from 3 submitters: Benign (1); Likely benign (2). Last evaluated 2026-01-28.

Conditions:
Hereditary cancer-predisposing syndrome. Also called: Hereditary neoplastic syndrome; Tumor predisposition; Neoplastic Syndromes, Hereditary; Hereditary Cancer Syndrome. Identifiers: Orphanet 140162, MedGen C0027672, MeSH D009386, MONDO:0015356.
Tuberous sclerosis 2 (TSC2). Identifiers: Orphanet 805, MedGen C1860707, MONDO:0013199, OMIM 613254.

gnomAD v4.1: 1 of 1,614,112 alleles (0.000062%); highest among the groups gnomAD compares: Non-Finnish European, 0.000085%; no homozygotes.

Submissions (3):

Labcorp Genetics (formerly Invitae), Labcorp
Classification: Likely benign for Tuberous sclerosis 2. Last evaluated: 2026-01-28. Review status: criteria provided, single submitter. Criteria: Invitae Variant Classification Sherloc (09022015). Collection method: clinical testing. Allele origin: germline.

Ambry Genetics
Classification: Likely benign for Hereditary cancer-predisposing syndrome. Last evaluated: 2025-10-03. Review status: criteria provided, single submitter. Criteria: Ambry Variant Classification Scheme 2023. Collection method: clinical testing. Allele origin: germline.

Myriad Genetics, Inc.
Classification: Benign for Tuberous sclerosis 2. Last evaluated: 2025-05-13. Review status: criteria provided, single submitter. Criteria: Myriad Autosomal Dominant, Autosomal Recessive and X-Linked Classification Criteria (2023). Collection method: clinical testing. Allele origin: unknown.
Comment: This variant is considered benign. This variant is a silent/synonymous amino acid change and it is not expected to impact splicing.